The following is an entry in ClinVar:

NM_001277115.2(DNAH11):c.7105A>G (p.Thr2369Ala)

Gene: DNAH11 (dynein axonemal heavy chain 11; plus strand). Cytogenetic location: 7p15.3.
Variant type: single nucleotide variant.
Coding change: c.7105A>G on transcript NM_001277115.2 (MANE Select); coding-DNA position 7105, A replaced by G.
Protein change: p.Thr2369Ala; replaces threonine 2369 with alanine.
Molecular consequence: missense variant.
Genome position (GRCh38, 1-based): chr7:21,717,896, A>G. VCF-style: chr7-21717896-A-G. GRCh37 (hg19) VCF-style: chr7-21757514-A-G.
Other names: c.7126A>G, p.Thr2376Ala (NM_003777.3); short protein forms T2369A, T2376A.
Identifiers: ClinVar variation 3221491 (VCV003221491.1), dbSNP rs2128482984, ClinGen allele CA366943475.

ClinVar aggregate classification (germline): Uncertain significance (1 of 4 stars; one submission).

Conditions:
Primary ciliary dyskinesia. Also called: Ciliary dyskinesia. Identifiers: Orphanet 244, MedGen C0008780, MONDO:0016575, HP:0012265.

Submission:

Ambry Genetics
Classification: Uncertain significance for Primary ciliary dyskinesia. Last evaluated: 2024-02-04. Review status: criteria provided, single submitter. Criteria: Ambry Variant Classification Scheme 2023. Collection method: clinical testing. Allele origin: germline.
Comment: The p.T2369A variant (also known as c.7105A>G), located in coding exon 43 of the DNAH11 gene, results from an A to G substitution at nucleotide position 7105. The threonine at codon 2369 is replaced by alanine, an amino acid with similar properties. This amino acid position is conserved. In addition, this alteration is predicted to be tolerated by in silico analysis. Based on the available evidence, the clinical significance of this alteration remains unclear.